The following is an entry in ClinVar:

ClinVar aggregate classification (germline): Uncertain significance (1 of 4 stars; one submission).

Submission:

Labcorp Genetics (formerly Invitae), Labcorp
Classification: Uncertain significance. Last evaluated: 2022-07-03. Review status: criteria provided, single submitter. Criteria: Invitae Variant Classification Sherloc (09022015). Collection method: clinical testing. Allele origin: germline.
Comment: In summary, the available evidence is currently insufficient to determine the role of this variant in disease. Therefore, it has been classified as a Variant of Uncertain Significance. Advanced modeling of protein sequence and biophysical properties (such as structural, functional, and spatial information, amino acid conservation, physicochemical variation, residue mobility, and thermodynamic stability) performed at Invitae indicates that this missense variant is not expected to disrupt EARS2 protein function. This variant has not been reported in the literature in individuals affected with EARS2-related conditions. This variant is not present in population databases (gnomAD no frequency). This sequence change replaces alanine, which is neutral and non-polar, with proline, which is neutral and non-polar, at codon 507 of the EARS2 protein (p.Ala507Pro).

NM_001083614.2(EARS2):c.1519G>C (p.Ala507Pro)

Gene: EARS2 (glutamyl-tRNA synthetase 2, mitochondrial; minus strand). Cytogenetic location: 16p12.2.
Variant type: single nucleotide variant.
Coding change: c.1519G>C on transcript NM_001083614.2 (MANE Select); coding-DNA position 1519, G replaced by C.
Protein change: p.Ala507Pro; replaces alanine 507 with proline.
Molecular consequence: missense variant. On other transcripts: non-coding transcript variant (1).
Genome position (GRCh38, 1-based): chr16:23,524,424, C>G on the plus strand (G>C on the coding strand, the complement: EARS2 is on the minus strand). VCF-style: chr16-23524424-C-G. GRCh37 (hg19) VCF-style: chr16-23535745-C-G.
Other names: c.1519G>C, p.Ala507Pro (NM_133451.1); short protein forms A507P.
Identifiers: ClinVar variation 2009700 (VCV002009700.4), dbSNP rs2506830433, ClinGen allele CA395125954.
Genomic context (GRCh38, chr16:23,524,424, plus strand): 5'-CCTCTCCCTAGCTGGAAACCACCTTCTGGATCCGTTCCCGTACTTCCTTTGGTCCCAAGG[C>G]CAACATCATCTCAGCTACAGGAGGTCCTTGCTAAGAACAAAAAGAGCAAATATTGCCTTA-3'
Protein context (NP_001077083.1, residues 497-517): QGPPVAEMML[Ala507Pro]LGPKEVRERI